The following is an entry in ClinVar:

NM_001323289.2(CDKL5):c.11C>G (p.Pro4Arg)

Gene: CDKL5 (cyclin dependent kinase like 5; plus strand). Cytogenetic location: Xp22.13.
Variant type: single nucleotide variant.
Coding change: c.11C>G on transcript NM_001323289.2 (MANE Select); coding-DNA position 11, C replaced by G.
Protein change: p.Pro4Arg; replaces proline 4 with arginine.
Molecular consequence: missense variant.
Genome position (GRCh38, 1-based): chrX:18,507,107, C>G. VCF-style: chrX-18507107-C-G. GRCh37 (hg19) VCF-style: chrX-18525227-C-G.
Other names: c.11C>G, p.Pro4Arg (NM_001037343.2, NM_003159.3); short protein forms P4R.
Identifiers: ClinVar variation 3392751 (VCV003392751.1).

ClinVar aggregate classification (germline): Uncertain significance (1 of 4 stars; one submission).

Submission:

GeneDx
Classification: Uncertain significance. Last evaluated: 2024-06-27. Review status: criteria provided, single submitter. Criteria: GeneDx Variant Classification Process June 2021. Collection method: clinical testing. Allele origin: germline. Affected: yes.
Comment: Not observed at significant frequency in large population cohorts (gnomAD); In silico analysis indicates that this missense variant does not alter protein structure/function; Has not been previously published as pathogenic or benign to our knowledge